The following is an entry in ClinVar:

ClinVar aggregate classification (germline): Uncertain significance (1 of 4 stars; one submission).

Allele frequency attached by ClinVar (database versions not stated): gnomAD exomes below 0.00001.
gnomAD v4.1: 1 of 1,489,690 alleles (0.000067%); highest among the groups gnomAD compares: Admixed American, 0.0021%; no homozygotes.

Submission:

GeneDx
Classification: Uncertain significance. Last evaluated: 2014-01-29. Review status: criteria provided, single submitter. Criteria: GeneDx Variant Classification (06012015). Collection method: clinical testing. Allele origin: germline. Affected: yes.
Comment: The R4W missense change has not been previously reported as a disease-causing mutation or as a benign polymorphism, to our knowledge. R4W is a non-conservative amino acid substitution in that a positively-charged polar Arginine residue is replaced with a neutral, non-polar Isoleucine residue at a position that is well conserved across species. The NHLBI ESP Exome Variant Server reports R4W was not observed in approximately 6,000 samples from individuals of European and African American backgrounds, indicating it is not a common benign variant in these populations. No other missense mutations at nearby codons of the MAP2K2 gene have been reported. In addition, in-silico algorithms are not consistent in their predictions of whether R4W is damaging to the structure/function of the protein. Therefore, based on the currently available information, it is unclear whether R4W is a disease-causing mutation or a rare benign variant. The variant is found in NOONAN panel(s).

NM_030662.4(MAP2K2):c.10C>T (p.Arg4Trp)

Genes: MAP2K2 (mitogen-activated protein kinase kinase 2; minus strand), LOC130063193 (ATAC-STARR-seq lymphoblastoid silent region 9881; plus strand). Cytogenetic location: 19p13.3.
Variant type: single nucleotide variant.
Coding change: c.10C>T on transcript NM_030662.4 (MANE Select); coding-DNA position 10, C replaced by T.
Protein change: p.Arg4Trp; replaces arginine 4 with tryptophan.
Molecular consequence: missense variant.
Genome position (GRCh38, 1-based): chr19:4,123,866, G>A on the plus strand (C>T on the coding strand, the complement: MAP2K2 is on the minus strand). VCF-style: chr19-4123866-G-A. GRCh37 (hg19) VCF-style: chr19-4123863-G-A.
Other names: p.R4W:CGG>TGG; short protein forms R4W.
Identifiers: ClinVar variation 180915 (VCV000180915.2), dbSNP rs730880524, ClinGen allele CA296188.